The following is an entry in ClinVar:

ClinVar aggregate classification (germline): Likely benign. Review status: criteria provided, multiple submitters, no conflicts (2 of 4 stars). 3 submissions from 3 submitters: Likely benign (3). Last evaluated 2025-12-28.

Conditions:
RASopathy. Also called: Noonan spectrum disorder; rasopathies. Identifiers: Orphanet 536391, MedGen C5555857, MONDO:0021060.
Cardiovascular phenotype. Identifiers: MedGen CN230736.

Allele frequency attached by ClinVar (database versions not stated): gnomAD exomes below 0.00001 and 0.00001; TOPMed below 0.00001; gnomAD 0.00001.
gnomAD v4.1: 7 of 1,524,682 alleles (0.00046%); highest among the groups gnomAD compares: Non-Finnish European, 0.00044%; no homozygotes.

Submissions (3):

Labcorp Genetics (formerly Invitae), Labcorp
Classification: Likely benign for RASopathy. Last evaluated: 2025-12-28. Review status: criteria provided, single submitter. Criteria: Invitae Variant Classification Sherloc (09022015). Collection method: clinical testing. Allele origin: germline.

CeGaT Center for Human Genetics Tuebingen
Classification: Likely benign. Last evaluated: 2025-10-01. Review status: criteria provided, single submitter. Criteria: CeGaT Center For Human Genetics Tuebingen Variant Classification Criteria Version 2. Collection method: clinical testing. Allele origin: germline. Affected: yes. Observed: 1 variant allele.
Comment: BRAF: BP4, BP7

Ambry Genetics
Classification: Likely benign for Cardiovascular phenotype. Last evaluated: 2024-08-12. Review status: criteria provided, single submitter. Criteria: Ambry Variant Classification Scheme 2023. Collection method: clinical testing. Allele origin: germline.

NM_004333.6(BRAF):c.87C>T (p.Ala29=)

Gene: BRAF (B-Raf proto-oncogene, serine/threonine kinase; minus strand). Cytogenetic location: 7q34.
Variant type: single nucleotide variant.
Coding change: c.87C>T on transcript NM_004333.6 (MANE Select); coding-DNA position 87, C replaced by T.
Protein change: p.Ala29=; no amino-acid change (alanine 29 retained).
Molecular consequence: synonymous variant.
Genome position (GRCh38, 1-based): chr7:140,924,617, G>A on the plus strand (C>T on the coding strand, the complement: BRAF is on the minus strand). VCF-style: chr7-140924617-G-A. GRCh37 (hg19) VCF-style: chr7-140624417-G-A.
Other names: c.87C>T, p.Ala29= (NM_001354609.2, NM_001374244.1, NM_001374258.1 and 7 more transcripts); c.87C>T (NM_004333.4).
Identifiers: ClinVar variation 1157284 (VCV001157284.16), dbSNP rs1344877993, ClinGen allele CA458124851.